The following is an entry in ClinVar:

ClinVar aggregate classification (germline): Pathogenic (0 of 4 stars; one submission).

Conditions:
COL11A1-related disorder. Also called: COL11A1-related disorders; COL11A1-related condition.

Submission:

PreventionGenetics, part of Exact Sciences
Classification: Pathogenic for COL11A1-related condition. Last evaluated: 2023-11-20. Review status: no assertion criteria provided. Collection method: clinical testing. Allele origin: germline.
Comment: The COL11A1 c.2862+2_2862+3delTA variant is predicted to result in a deletion affecting a canonical splice site. To our knowledge, this variant has not been reported in the literature or in a large population database, indicating this variant is rare. This variant is interpreted as pathogenic.

NM_001854.4(COL11A1):c.2862+2_2862+3del

Gene: COL11A1 (collagen type XI alpha 1 chain; minus strand). Cytogenetic location: 1p21.1.
Variant type: Deletion.
Coding change: c.2862+2_2862+3del on transcript NM_001854.4 (MANE Select); the canonical splice donor site of the intron after coding-DNA position 2862 through 3 bases into the intron after coding-DNA position 2862, 2 bases deleted (TA; older notation c.2862+2_2862+3delTA).
Molecular consequence: splice donor variant.
Genome position (GRCh38, 1-based): chr1:102,970,216-102,970,217, TA deleted on the plus strand (TA on the coding strand, the reverse complement: COL11A1 is on the minus strand). VCF-style (leftmost placement, unchanged base first): chr1-102970215-TTA-T. GRCh37 (hg19) VCF-style: chr1-103435771-TTA-T.
Other names: c.2745+2_2745+3del (NM_001190709.2); c.2898+2_2898+3del (NM_080629.3); c.2514+2_2514+3del (NM_080630.4).
Identifiers: ClinVar variation 3038687 (VCV003038687.2), dbSNP rs2525015022, ClinGen allele CA2740090322.